The following is an entry in ClinVar:

NM_003136.4(SRP54):c.736A>G (p.Ile246Val)

Gene: SRP54 (signal recognition particle 54; plus strand). Cytogenetic location: 14q13.2.
Variant type: single nucleotide variant.
Coding change: c.736A>G on transcript NM_003136.4 (MANE Select); coding-DNA position 736, A replaced by G.
Protein change: p.Ile246Val; replaces isoleucine 246 with valine.
Molecular consequence: missense variant.
Genome position (GRCh38, 1-based): chr14:35,013,445, A>G. VCF-style: chr14-35013445-A-G. GRCh37 (hg19) VCF-style: chr14-35482651-A-G.
Other names: c.589A>G, p.Ile197Val (NM_001146282.2); c.736A>G, p.Ile246Val (NM_001411017.1); short protein forms I197V, I246V.
Identifiers: ClinVar variation 3962007 (VCV003962007.2).
Genomic context (GRCh38, chr14:35,013,445, plus strand): 5'-GGGCAGGCTTGTGAAGCCCAGGCTAAGGCTTTTAAAGATAAAGTAGATGTAGCCTCAGTA[A>G]TAGTGACAAAACTTGATGGCCATGCAAAAGGAGGTGGTGCACTCAGTGCGTAAGTATCAT-3'
Protein context (NP_003127.1, residues 236-256): FKDKVDVASV[Ile246Val]VTKLDGHAKG

ClinVar aggregate classification (germline): Uncertain significance. Review status: criteria provided, multiple submitters, no conflicts (2 of 4 stars). 2 submissions from 2 submitters: Uncertain significance (2). Last evaluated 2025-11-05.

Conditions:
Inborn genetic diseases. Identifiers: MedGen C0950123, MeSH D030342.

gnomAD v4.1: 4 of 1,614,104 alleles (0.00025%); highest among the groups gnomAD compares: Admixed American, 0.005%; no homozygotes.

Submissions (2):

Labcorp Genetics (formerly Invitae), Labcorp
Classification: Uncertain significance. Last evaluated: 2025-11-05. Review status: criteria provided, single submitter. Criteria: Invitae Variant Classification Sherloc (09022015). Collection method: clinical testing. Allele origin: germline.
Comment: This sequence change replaces isoleucine, which is neutral and non-polar, with valine, which is neutral and non-polar, at codon 246 of the SRP54 protein (p.Ile246Val). This variant is not present in population databases (gnomAD no frequency). This variant has not been reported in the literature in individuals affected with SRP54-related conditions. ClinVar contains an entry for this variant (Variation ID: 3962007). Invitae Evidence Modeling of protein sequence and biophysical properties (such as structural, functional, and spatial information, amino acid conservation, physicochemical variation, residue mobility, and thermodynamic stability) indicates that this missense variant is not expected to disrupt SRP54 protein function with a negative predictive value of 80%. In summary, the available evidence is currently insufficient to determine the role of this variant in disease. Therefore, it has been classified as a Variant of Uncertain Significance.

Ambry Genetics
Classification: Uncertain significance for Inborn genetic diseases. Last evaluated: 2025-05-07. Review status: criteria provided, single submitter. Criteria: Ambry Variant Classification Scheme 2023. Collection method: clinical testing. Allele origin: germline.